The following is an entry in ClinVar:

NM_000492.4(CFTR):c.1656del (p.Gln552fs)

Genes: CFTR (CF transmembrane conductance regulator; plus strand), LOC111674475 (CFTR intron 11 enhancer; plus strand). Cytogenetic location: 7q31.2.
Variant type: Deletion.
Coding change: c.1656del on transcript NM_000492.4 (MANE Select); coding-DNA position 1656, one base deleted (A; older notation c.1656delA).
Protein change: p.Gln552fs; shifts the reading frame from glutamine 552.
Molecular consequence: frameshift variant.
Genome position (GRCh38, 1-based): chr7:117,587,810, A deleted; the last of 2 consecutive A bases (chr7:117,587,809-117,587,810); deleting either gives the same sequence. VCF-style (leftmost placement, unchanged base first): chr7-117587808-CA-C. GRCh37 (hg19) VCF-style: chr7-117227862-CA-C.
Other names: c.1656delA (NM_000492.3); short protein forms Q552fs.
Identifiers: ClinVar variation 53321 (VCV000053321.3), dbSNP rs397508253, ClinGen allele CA326582.

ClinVar aggregate classification (germline): Pathogenic. Review status: criteria provided, multiple submitters, no conflicts (2 of 4 stars). 2 submissions from 2 submitters: Pathogenic (2). Last evaluated 2024-08-27.

Conditions:
Cystic fibrosis (CF). Also called: MUCOVISCIDOSIS. Identifiers: Orphanet 586, MedGen C0010674, MONDO:0009061, OMIM 219700. Disease mechanism: loss of function.

Submissions (2):

Dasa
Classification: Pathogenic. Last evaluated: 2024-08-27. Review status: criteria provided, single submitter. Criteria: DASA Assertion Criteria. Collection method: clinical testing. Allele origin: germline.
Comment: NM_000492.4(CFTR):c.1656del (p.Gln552Hisfs*7) introduces a premature termination codon predicted to result in loss of normal protein function. Loss-of-function is an established mechanism of disease for this gene. This variant has been reported in individuals with related phenotype. The variant is present at low frequency in population datasets. Based on the available data, this variant is classified as pathogenic.

Mendelics
Classification: Pathogenic for Cystic fibrosis. Last evaluated: 2018-11-05. Review status: criteria provided, single submitter. Criteria: Mendelics Assertion Criteria 2017. Collection method: clinical testing. Allele origin: unknown. Affected: yes.